The following is an entry in ClinVar:

ClinVar aggregate classification (germline): Likely benign. Review status: criteria provided, multiple submitters, no conflicts (2 of 4 stars). 2 submissions from 2 submitters: Likely benign (2). Last evaluated 2024-11-28.

Conditions:
Developmental and epileptic encephalopathy, 31A. Also called: Epileptic encephalopathy, early infantile, 31; Developmental and epileptic encephalopathy, 31. Identifiers: Orphanet 2382, MedGen C4225357, MONDO:0014598, OMIM 616346.

Allele frequency attached by ClinVar (database versions not stated): gnomAD exomes 0.00003; ExAC 0.00002; TOPMed 0.00010.
gnomAD v4.1: 33 of 1,602,492 alleles (0.0021%); highest among the groups gnomAD compares: African/African-American, 0.025%; no homozygotes.

Submissions (2):

Labcorp Genetics (formerly Invitae), Labcorp
Classification: Likely benign for Developmental and epileptic encephalopathy, 31A. Last evaluated: 2024-11-28. Review status: criteria provided, single submitter. Criteria: Invitae Variant Classification Sherloc (09022015). Collection method: clinical testing. Allele origin: germline.

GeneDx
Classification: Likely benign. Last evaluated: 2016-12-19. Review status: criteria provided, single submitter. Criteria: GeneDx Variant Classification (06012015). Collection method: clinical testing. Allele origin: germline. Affected: yes.
Comment: This variant is considered likely benign or benign based on one or more of the following criteria: it is a conservative change, it occurs at a poorly conserved position in the protein, it is predicted to be benign by multiple in silico algorithms, and/or has population frequency not consistent with disease.

NM_004408.4(DNM1):c.1335+16G>A

Gene: DNM1 (dynamin 1; plus strand). Cytogenetic location: 9q34.11.
Variant type: single nucleotide variant.
Coding change: c.1335+16G>A on transcript NM_004408.4 (MANE Select); 16 bases into the intron after coding-DNA position 1335, G replaced by A.
Molecular consequence: intron variant.
Genome position (GRCh38, 1-based): chr9:128,224,405, G>A. VCF-style: chr9-128224405-G-A. GRCh37 (hg19) VCF-style: chr9-130986684-G-A.
Other names: c.1335+16G>A (NM_001005336.3); c.1196+1545G>A (NM_001288738.2, NM_001288737.2, NM_001288739.2).
Identifiers: ClinVar variation 386482 (VCV000386482.9), dbSNP rs768442528, ClinGen allele CA5258059.